The following is an entry in ClinVar:

NM_017617.5(NOTCH1):c.2655G>C (p.Gln885His)

Gene: NOTCH1 (notch receptor 1; minus strand). Cytogenetic location: 9q34.3.
Variant type: single nucleotide variant.
Coding change: c.2655G>C on transcript NM_017617.5 (MANE Select); coding-DNA position 2655, G replaced by C.
Protein change: p.Gln885His; replaces glutamine 885 with histidine.
Molecular consequence: missense variant.
Genome position (GRCh38, 1-based): chr9:136,510,738, C>G on the plus strand (G>C on the coding strand, the complement: NOTCH1 is on the minus strand). VCF-style: chr9-136510738-C-G. GRCh37 (hg19) VCF-style: chr9-139405190-C-G.
Other names: short protein forms Q885H.
Identifiers: ClinVar variation 1519587 (VCV001519587.6), dbSNP rs2133353313, ClinGen allele CA375554937.
Genomic context (GRCh38, chr9:136,510,738, plus strand): 5'-CTCGCAGTTGCGCCCACTGTAGCCGGCCTGGCAGTGGCAGCGGTAGCCGCCGTGGGTGTT[C>G]TGGCAGGATGCGCCGTGCCGGCACGGGCTCAGAACGCACTCGTTGATGTCGACCTCACAG-3'
Protein context (NP_060087.3, residues 875-895): LSPCRHGASC[Gln885His]NTHGGYRCHC

ClinVar aggregate classification (germline): Uncertain significance (1 of 4 stars; one submission).

Conditions:
Adams-Oliver syndrome 5 (AOS5). Identifiers: Orphanet 974, MedGen C4014970, MONDO:0014459, OMIM 616028.

Submission:

Labcorp Genetics (formerly Invitae), Labcorp
Classification: Uncertain significance for Adams-Oliver syndrome 5. Last evaluated: 2023-12-18. Review status: criteria provided, single submitter. Criteria: Invitae Variant Classification Sherloc (09022015). Collection method: clinical testing. Allele origin: germline.
Comment: This sequence change replaces glutamine, which is neutral and polar, with histidine, which is basic and polar, at codon 885 of the NOTCH1 protein (p.Gln885His). This variant is not present in population databases (gnomAD no frequency). This variant has not been reported in the literature in individuals affected with NOTCH1-related conditions. ClinVar contains an entry for this variant (Variation ID: 1519587). Advanced modeling of protein sequence and biophysical properties (such as structural, functional, and spatial information, amino acid conservation, physicochemical variation, residue mobility, and thermodynamic stability) performed at Invitae indicates that this missense variant is not expected to disrupt NOTCH1 protein function with a negative predictive value of 95%. In summary, the available evidence is currently insufficient to determine the role of this variant in disease. Therefore, it has been classified as a Variant of Uncertain Significance.